The following is an entry in ClinVar:

ClinVar aggregate classification (germline): Benign. Review status: criteria provided, multiple submitters, no conflicts (2 of 4 stars). 7 submissions from 7 submitters: Benign (5). 2 of the submissions do not count toward it. Last evaluated 2026-02-03.

Conditions:
AGRN-related disorder. Also called: AGRN-related condition.
Congenital myasthenic syndrome 8. Also called: Myasthenic syndrome, congenital, 8, with pre- and postsynaptic defects; MYASTHENIC SYNDROME, CONGENITAL, DUE TO AGRIN DEFICIENCY. Identifiers: Orphanet 590, MedGen C3808739, MONDO:0014052, OMIM 615120.

Allele frequency attached by ClinVar (database versions not stated): ESP Exome Variant Server 0.01409; gnomAD 0.01569 and 0.01713; TOPMed 0.01738; gnomAD exomes 0.00386; ExAC 0.00461; 1000 Genomes Project 0.01258; 1000 Genomes Project 30x 0.01390.
gnomAD v4.1: 4,875 of 1,606,080 alleles (0.3%); highest among the groups gnomAD compares: African/African-American, 5.4%; 102 homozygotes.

Submissions (7):

Labcorp Genetics (formerly Invitae), Labcorp
Classification: Benign for Congenital myasthenic syndrome 8. Last evaluated: 2026-02-03. Review status: criteria provided, single submitter. Criteria: Invitae Variant Classification Sherloc (09022015). Collection method: clinical testing. Allele origin: germline.

Mayo Clinic Laboratories, Mayo Clinic
Classification: Benign. Last evaluated: 2022-03-24. Review status: criteria provided, single submitter. Criteria: ACMG Guidelines, 2015. Collection method: clinical testing. Allele origin: germline. Observed: 3 variant alleles.

Athena Diagnostics
Classification: Benign. Last evaluated: 2019-03-19. Review status: criteria provided, single submitter. Criteria: Athena Diagnostics Criteria. Collection method: clinical testing. Allele origin: germline.

GeneDx
Classification: Benign. Last evaluated: 2016-11-10. Review status: criteria provided, single submitter. Criteria: GeneDx Variant Classification (06012015). Collection method: clinical testing. Allele origin: germline. Affected: yes.
Comment: This variant is considered likely benign or benign based on one or more of the following criteria: it is a conservative change, it occurs at a poorly conserved position in the protein, it is predicted to be benign by multiple in silico algorithms, and/or has population frequency not consistent with disease.

Breakthrough Genomics
Classification: Benign. Review status: criteria provided, single submitter. Criteria: ACMG Guidelines, 2015. Collection method: not provided. Allele origin: germline. Inheritance: Autosomal recessive inheritance. Affected: yes.

PreventionGenetics, part of Exact Sciences
Classification: Benign for AGRN-related condition. Last evaluated: 2019-03-29. Review status: no assertion criteria provided. Collection method: clinical testing. Allele origin: germline. Not counted in ClinVar's aggregate classification.
Comment: This variant is classified as benign based on ACMG/AMP sequence variant interpretation guidelines (Richards et al. 2015 PMID: 25741868, with internal and published modifications).

Genetic Services Laboratory, University of Chicago
Classification: Likely benign for AllHighlyPenetrant. Review status: no assertion criteria provided. Collection method: clinical testing. Allele origin: germline. Inheritance: Autosomal recessive inheritance. Not counted in ClinVar's aggregate classification.
Comment: Likely benign based on allele frequency in 1000 Genomes Project or ESP global frequency and its presence in a patient with a rare or unrelated disease phenotype. NOT Sanger confirmed.

NM_198576.4(AGRN):c.1058A>G (p.Gln353Arg)

Gene: AGRN (agrin; plus strand). Cytogenetic location: 1p36.33.
Variant type: single nucleotide variant.
Coding change: c.1058A>G on transcript NM_198576.4 (MANE Select); coding-DNA position 1058, A replaced by G.
Protein change: p.Gln353Arg; replaces glutamine 353 with arginine.
Molecular consequence: missense variant.
Genome position (GRCh38, 1-based): chr1:1,041,583, A>G. VCF-style: chr1-1041583-A-G. GRCh37 (hg19) VCF-style: chr1-976963-A-G.
Other names: p.Gln353Arg; c.1058A>G (LRG_198t1); c.1058A>G, p.Gln353Arg (NM_001305275.2); c.743A>G, p.Gln248Arg (NM_001364727.2); short protein forms Q353R, Q248R.
Identifiers: ClinVar variation 128291 (VCV000128291.21), dbSNP rs150359724, ClinGen allele CA151610.
Genomic context (GRCh38, chr1:1,041,583, plus strand): 5'-TGAACCCGCGCACGCGGCGCCCTGAGATGCTCCTACGGCCCGAGAGCTGCCCTGCCCGGC[A>G]GGCGCCAGTGTGTGGGGACGACGGAGTCACCTACGAAAACGACTGTGTCATGGGCCGATC-3'
Protein context (NP_940978.2, residues 343-363): LLRPESCPAR[Gln353Arg]APVCGDDGVT